The following is an entry in ClinVar:

ClinVar aggregate classification (germline): Uncertain significance. Review status: criteria provided, multiple submitters, no conflicts (2 of 4 stars). 2 submissions from 2 submitters: Uncertain significance (2). Last evaluated 2024-03-03.

Conditions:
Hereditary nonpolyposis colorectal neoplasms. Identifiers: MedGen C0009405, MeSH D003123.
Hereditary cancer-predisposing syndrome. Also called: Hereditary Cancer Syndrome; Hereditary neoplastic syndrome; Tumor predisposition; Neoplastic Syndromes, Hereditary. Identifiers: Orphanet 140162, MedGen C0027672, MeSH D009386, MONDO:0015356.

Submissions (2):

Ambry Genetics
Classification: Uncertain significance for Hereditary cancer-predisposing syndrome. Last evaluated: 2024-03-03. Review status: criteria provided, single submitter. Criteria: Ambry Variant Classification Scheme 2023. Collection method: clinical testing. Allele origin: germline.
Comment: The p.S201G variant (also known as c.601A>G), located in coding exon 6 of the PMS2 gene, results from an A to G substitution at nucleotide position 601. The serine at codon 201 is replaced by glycine, an amino acid with similar properties. This amino acid position is conserved. In addition, the in silico prediction for this alteration is inconclusive. Based on the available evidence, the clinical significance of this alteration remains unclear.

Labcorp Genetics (formerly Invitae), Labcorp
Classification: Uncertain significance for Hereditary nonpolyposis colorectal neoplasms. Last evaluated: 2021-04-23. Review status: criteria provided, single submitter. Criteria: Invitae Variant Classification Sherloc (09022015). Collection method: clinical testing. Allele origin: germline.
Comment: Algorithms developed to predict the effect of missense changes on protein structure and function are either unavailable or do not agree on the potential impact of this missense change (SIFT: "Deleterious"; PolyPhen-2: "Benign"; Align-GVGD: "Class C0"). This variant has not been reported in the literature in individuals with PMS2-related conditions. This variant is not present in population databases (ExAC no frequency). This sequence change replaces serine with glycine at codon 201 of the PMS2 protein (p.Ser201Gly). The serine residue is weakly conserved and there is a small physicochemical difference between serine and glycine. In summary, the available evidence is currently insufficient to determine the role of this variant in disease. Therefore, it has been classified as a Variant of Uncertain Significance.

NM_000535.7(PMS2):c.601A>G (p.Ser201Gly)

Gene: PMS2 (PMS1 homolog 2, mismatch repair system component; minus strand). Cytogenetic location: 7p22.1.
Variant type: single nucleotide variant.
Coding change: c.601A>G on transcript NM_000535.7 (MANE Select); coding-DNA position 601, A replaced by G.
Protein change: p.Ser201Gly; replaces serine 201 with glycine.
Molecular consequence: missense variant. On other transcripts: 5 prime UTR variant (2), non-coding transcript variant (1), intron variant (1).
Genome position (GRCh38, 1-based): chr7:5,999,212, T>C on the plus strand (A>G on the coding strand, the complement: PMS2 is on the minus strand). VCF-style: chr7-5999212-T-C. GRCh37 (hg19) VCF-style: chr7-6038843-T-C.
Other names: c.196A>G, p.Ser66Gly (NM_001322003.2, NM_001322004.2, NM_001322005.2 and 2 more transcripts); c.601A>G, p.Ser201Gly (NM_001322006.2, NM_001322014.2); c.283A>G, p.Ser95Gly (NM_001322007.2, NM_001322008.2); c.-333A>G (NM_001322011.2, NM_001322012.2); c.292A>G, p.Ser98Gly (NM_001322015.2); c.133-1789A>G (NM_001322013.2); short protein forms S66G, S201G, S95G, S98G.
Identifiers: ClinVar variation 844167 (VCV000844167.8), dbSNP rs1784814672, ClinGen allele CA366744007.